The following is an entry in ClinVar:

NM_000021.4(PSEN1):c.254T>C (p.Leu85Pro)

Gene: PSEN1 (presenilin 1; plus strand). Cytogenetic location: 14q24.2.
Variant type: single nucleotide variant.
Coding change: c.254T>C on transcript NM_000021.4 (MANE Select); coding-DNA position 254, T replaced by C.
Protein change: p.Leu85Pro; replaces leucine 85 with proline.
Molecular consequence: missense variant.
Genome position (GRCh38, 1-based): chr14:73,170,963, T>C. VCF-style: chr14-73170963-T-C. GRCh37 (hg19) VCF-style: chr14-73637671-T-C.
Other names: c.242T>C, p.Leu81Pro (NM_007318.3); short protein forms L85P, L81P.
Identifiers: ClinVar variation 18153 (VCV000018153.4), dbSNP rs63750599, ClinGen allele CA127841.

ClinVar aggregate classification (germline): Pathogenic/Likely pathogenic. Review status: criteria provided, multiple submitters, no conflicts (2 of 4 stars). 4 submissions from 4 submitters: Pathogenic (1); Likely pathogenic (1). 2 of the submissions do not count toward it. Last evaluated 2022-08-05.

Conditions:
Frontotemporal dementia (FTD1). Also called: WILHELMSEN-LYNCH DISEASE; Frontotemporal lobe dementia (FLDEM); Dementia, frontotemporal, with or without parkinsonism; Frontotemporal Dementia with Parkinsonism-17 (FTDP-17); FRONTOTEMPORAL DEMENTIA WITH PARKINSONISM; FRONTOTEMPORAL LOBE DEMENTIA. Identifiers: Orphanet 282, MedGen C0338451, MONDO:0017276, OMIM 600274, HP:0002145.
Alzheimer disease 3 (AD3). Also called: ALZHEIMER DISEASE, FAMILIAL, 3. Identifiers: Orphanet 1020, MedGen C1843013, MONDO:0011913, OMIM 607822.
Pick disease. Also called: Pick Disease of the Brain; Pick's disease; LOBAR ATROPHY OF BRAIN; PICK DISEASE OF BRAIN; DEMENTIA WITH LOBAR ATROPHY AND NEURONAL CYTOPLASMIC INCLUSIONS. Identifiers: Orphanet 282, MedGen C0236642, MONDO:0008243, OMIM 172700.
Alzheimer disease, familial, 3, with spastic paraparesis and apraxia. Also called: Alzheimer disease, type 3, with spastic paraparesis and apraxia. Identifiers: MedGen C1843015.

Submissions (4):

Kariminejad - Najmabadi Pathology & Genetics Center
Classification: Pathogenic for Alzheimer disease 3; Frontotemporal dementia; Pick disease. Last evaluated: 2022-08-05. Review status: criteria provided, single submitter. Criteria: ACMG Guidelines, 2015. Collection method: clinical testing. Allele origin: germline. Inheritance: Autosomal dominant inheritance. Affected: yes.
Comment: PM1 PM2 PP3 PP5]+PS3??

Institute of Medical Genetics and Applied Genomics, University Hospital Tübingen
Classification: Likely pathogenic. Last evaluated: 2020-10-23. Review status: criteria provided, single submitter. Criteria: ACMG Guidelines, 2015. Collection method: clinical testing. Allele origin: germline. Inheritance: Autosomal dominant inheritance. Affected: yes.

OMIM
Classification: Pathogenic for ALZHEIMER DISEASE, FAMILIAL, 3, WITH SPASTIC PARAPARESIS AND APRAXIA. Last evaluated: 2004-11-01. Review status: no assertion criteria provided. Collection method: literature only. Allele origin: germline. Not counted in ClinVar's aggregate classification.

VIB  Department of Molecular Genetics, University of Antwerp
No classification provided. Review status: no classification provided. Collection method: not provided. Allele origin: not provided. Not counted in ClinVar's aggregate classification.

Literature cited by the submitters: PubMed 15534188 (cited by OMIM).